The following is an entry in ClinVar:

NM_032383.5(HPS3):c.617_618insTCAGCAG (p.Leu207fs)

Gene: HPS3 (HPS3 biogenesis of lysosomal organelles complex 2 subunit 1; plus strand). Cytogenetic location: 3q24.
Variant type: Insertion.
Coding change: c.617_618insTCAGCAG on transcript NM_032383.5 (MANE Select); coding-DNA positions 617 to 618, TCAGCAG inserted.
Protein change: p.Leu207fs; shifts the reading frame from leucine 207.
Molecular consequence: frameshift variant. On other transcripts: intron variant (1).
Genome position: GRCh38 VCF-style: chr3-149140403-T-TTCAGCAG. GRCh37 (hg19) VCF-style: chr3-148858190-T-TTCAGCAG.
Other names: c.218-614_218-613insTCAGCAG (NM_001308258.2); short protein forms L207fs.
Identifiers: ClinVar variation 1724544 (VCV001724544.2), dbSNP rs2473069629, ClinGen allele CA2580068951.

ClinVar aggregate classification (germline): Likely pathogenic (1 of 4 stars; one submission).

Conditions:
Hermansky-Pudlak syndrome 3 (HPS3). Identifiers: Orphanet 231512, Orphanet 79430, MedGen C3888001, MONDO:0013555, OMIM 614072.

Submission:

Myriad Genetics, Inc.
Classification: Likely pathogenic for Hermansky-Pudlak syndrome 3. Last evaluated: 2022-02-19. Review status: criteria provided, single submitter. Criteria: Myriad Women's Health Autosomal Recessive and X-Linked Classification Criteria (2021). Collection method: clinical testing. Allele origin: unknown.
Comment: NM_032383.3(HPS3):c.617_618ins7(L207Qfs*12) is expected to be pathogenic in the context of Hermansky-Pudlak syndrome type 3. This variant is predicted to lead to an abnormal or absent protein product due to the creation of a premature termination codon in HPS3, a gene where loss-of-function variants are known to be pathogenic. Please note: this variant was assessed in the context of healthy population screening.